The following is an entry in ClinVar:

NM_144997.7(FLCN):c.1179C>T (p.Thr393=)

Gene: FLCN (folliculin; minus strand). Cytogenetic location: 17p11.2.
Variant type: single nucleotide variant.
Coding change: c.1179C>T on transcript NM_144997.7 (MANE Select); coding-DNA position 1179, C replaced by T.
Protein change: p.Thr393=; no amino-acid change (threonine 393 retained).
Molecular consequence: synonymous variant.
Genome position (GRCh38, 1-based): chr17:17,216,501, G>A on the plus strand (C>T on the coding strand, the complement: FLCN is on the minus strand). VCF-style: chr17-17216501-G-A. GRCh37 (hg19) VCF-style: chr17-17119815-G-A.
Other names: c.1233C>T, p.Thr411= (NM_001353229.2); c.1179C>T, p.Thr393= (NM_001353230.2, NM_001353231.2).
Identifiers: ClinVar variation 1641576 (VCV001641576.11), dbSNP rs755413587, ClinGen allele CA498163294.

ClinVar aggregate classification (germline): Benign/Likely benign. Review status: criteria provided, multiple submitters, no conflicts (2 of 4 stars). 3 submissions from 3 submitters: Benign (1); Likely benign (2). Last evaluated 2024-10-24.

Conditions:
Birt-Hogg-Dube syndrome 1 (BHD1). Also called: FIBROFOLLICULOMAS WITH TRICHODISCOMAS AND ACROCHORDONS. Identifiers: Orphanet 122, MedGen CN375946, MONDO:0800445, OMIM 135150.
Hereditary cancer-predisposing syndrome. Also called: Tumor predisposition; Hereditary neoplastic syndrome; Neoplastic Syndromes, Hereditary; Hereditary Cancer Syndrome. Identifiers: Orphanet 140162, MedGen C0027672, MeSH D009386, MONDO:0015356.
Birt-Hogg-Dube syndrome. Also called: Birt Hogg Dubé syndrome. Identifiers: Orphanet 122, MedGen C0346010, MONDO:0800444.

Submissions (3):

Myriad Genetics, Inc.
Classification: Benign for Birt-Hogg-Dube syndrome 1. Last evaluated: 2024-10-24. Review status: criteria provided, single submitter. Criteria: Myriad Autosomal Dominant, Autosomal Recessive and X-Linked Classification Criteria (2023). Collection method: clinical testing. Allele origin: unknown.
Comment: This variant is considered benign. This variant is a silent/synonymous amino acid change and it is not expected to impact splicing.

Labcorp Genetics (formerly Invitae), Labcorp
Classification: Likely benign for Birt-Hogg-Dube syndrome. Last evaluated: 2023-11-17. Review status: criteria provided, single submitter. Criteria: Invitae Variant Classification Sherloc (09022015). Collection method: clinical testing. Allele origin: germline.

Ambry Genetics
Classification: Likely benign for Hereditary cancer-predisposing syndrome. Last evaluated: 2021-05-27. Review status: criteria provided, single submitter. Criteria: Ambry Variant Classification Scheme 2023. Collection method: clinical testing. Allele origin: germline.